The following is an entry in ClinVar:

ClinVar aggregate classification (germline): Uncertain significance. Review status: criteria provided, multiple submitters, no conflicts (2 of 4 stars). 2 submissions from 2 submitters: Uncertain significance (2). Last evaluated 2025-11-12.

Conditions:
Symmetrical dyschromatosis of extremities (DSH). Also called: RETICULATE ACROPIGMENTATION OF DOHI; SYMMETRIC DYSCHROMATOSIS OF THE EXTREMITIES; Dyschromatosis symmetrica hereditaria; DYSCHROMATOSIS SYMMETRICA HEREDITARIA 1. Identifiers: Orphanet 41, MedGen C0406775, MONDO:0007483, OMIM 127400.
Aicardi-Goutieres syndrome 6 (AGS6). Identifiers: Orphanet 51, MedGen C3539013, MONDO:0014007, OMIM 615010.
Inborn genetic diseases. Identifiers: MedGen C0950123, MeSH D030342.

Allele frequency attached by ClinVar (database versions not stated): ExAC 0.00002; gnomAD 0.00003 and 0.00004; gnomAD exomes 0.00003 and 0.00002.
gnomAD v4.1: 52 of 1,614,072 alleles (0.0032%); highest among the groups gnomAD compares: East Asian, 0.0045%; no homozygotes.

Submissions (2):

Labcorp Genetics (formerly Invitae), Labcorp
Classification: Uncertain significance for Aicardi-Goutieres syndrome 6; Symmetrical dyschromatosis of extremities. Last evaluated: 2025-11-12. Review status: criteria provided, single submitter. Criteria: Invitae Variant Classification Sherloc (09022015). Collection method: clinical testing. Allele origin: germline.
Comment: This sequence change replaces arginine, which is basic and polar, with glutamine, which is neutral and polar, at codon 489 of the ADAR protein (p.Arg489Gln). This variant is present in population databases (rs751656552, gnomAD 0.004%). This variant has not been reported in the literature in individuals affected with ADAR-related conditions. ClinVar contains an entry for this variant (Variation ID: 1429592). Invitae Evidence Modeling of protein sequence and biophysical properties (such as structural, functional, and spatial information, amino acid conservation, physicochemical variation, residue mobility, and thermodynamic stability) indicates that this missense variant is not expected to disrupt ADAR protein function with a negative predictive value of 80%. In summary, the available evidence is currently insufficient to determine the role of this variant in disease. Therefore, it has been classified as a Variant of Uncertain Significance.

Ambry Genetics
Classification: Uncertain significance for Inborn genetic diseases. Last evaluated: 2025-08-25. Review status: criteria provided, single submitter. Criteria: Ambry Variant Classification Scheme 2023. Collection method: clinical testing. Allele origin: germline.

NM_001111.5(ADAR):c.1466G>A (p.Arg489Gln)

Gene: ADAR (adenosine deaminase RNA specific; minus strand). Cytogenetic location: 1q21.3.
Variant type: single nucleotide variant.
Coding change: c.1466G>A on transcript NM_001111.5 (MANE Select); coding-DNA position 1466, G replaced by A.
Protein change: p.Arg489Gln; replaces arginine 489 with glutamine.
Molecular consequence: missense variant.
Genome position (GRCh38, 1-based): chr1:154,601,176, C>T on the plus strand (G>A on the coding strand, the complement: ADAR is on the minus strand). VCF-style: chr1-154601176-C-T. GRCh37 (hg19) VCF-style: chr1-154573652-C-T.
Other names: c.1466G>A (NM_001111.4); c.581G>A, p.Arg194Gln (NM_001025107.3, NM_001193495.2, NM_001365046.1 and 3 more transcripts); c.1493G>A, p.Arg498Gln (NM_001365045.1); c.1466G>A, p.Arg489Gln (NM_015840.4, NM_015841.4); short protein forms R194Q, R498Q, R489Q.
Identifiers: ClinVar variation 1429592 (VCV001429592.10), dbSNP rs751656552, ClinGen allele CA1131543.
Genomic context (GRCh38, chr1:154,601,176, plus strand): 5'-AACAGCCCGCTGATGGGGTTCTTCAGCTGGCACTCTGTCAGTTTCTTGTAGGGTGAACAC[C>T]GTGGCAAGCCATGACTGTAGAAGGAGGGCATCTCCATGATGGCTCGAAACTCACCTGGTG-3'
Protein context (NP_001102.3, residues 479-499): MPSFYSHGLP[Arg489Gln]CSPYKKLTEC